The following is an entry in ClinVar:

ClinVar aggregate classification (germline): Likely pathogenic (1 of 4 stars; one submission).

Conditions:
Brown-Vialetto-van Laere syndrome 1. Also called: BROWN-VIALETTO-VAN LAERE SYNDROME 1, MILD; BULBAR PALSY, PROGRESSIVE, WITH SENSORINEURAL DEAFNESS; PONTOBULBAR PALSY WITH DEAFNESS. Identifiers: Orphanet 572550, Orphanet 97229, MedGen C0796274, MONDO:0024537, OMIM 211530.

Submission:

Diagnostics Services (NGS), CSIR - Centre For Cellular And Molecular Biology
Classification: Likely pathogenic for Brown-Vialetto-van Laere syndrome 1. Last evaluated: 2024-11-08. Review status: criteria provided, single submitter. Criteria: ACMG Guidelines, 2015. Collection method: clinical testing. Allele origin: unknown. Affected: yes. Observed: 1 variant allele, 1 heterozygote.
Comment: The c.662del variant is not present in publicly available population databases like 1000 Genomes, EVS, ExAC, Indian Exome Database or our in-house exome database. This variant has neither been published in literature in individuals with SLC52A3-related conditions nor reported to the clinical databases like Human Genome Mutation Database (HGMD), ClinVar or OMIM, in any affected individuals. In-silico pathogenicity prediction programs like MutationTaster2, CADD, Varsome, Franklin etc predicted the variant to be likely deleterious. This variant causes frameshift at the 221nd amino acid position of the wild-type transcript which creates a premature translational stop signal at the altered transcript that may either result in translation of a truncated protein or cause nonsense mediated decay of the mRNA.

NM_033409.4(SLC52A3):c.662del (p.Leu221fs)

Gene: SLC52A3 (solute carrier family 52 member 3; minus strand). Cytogenetic location: 20p13.
Variant type: Deletion.
Coding change: c.662del on transcript NM_033409.4 (MANE Select); coding-DNA position 662, one base deleted (T; older notation c.662delT).
Protein change: p.Leu221fs; shifts the reading frame from leucine 221.
Molecular consequence: frameshift variant.
Genome position (GRCh38, 1-based): chr20:763,909, A deleted on the plus strand (T on the coding strand, the reverse complement: SLC52A3 is on the minus strand). VCF-style (leftmost placement, unchanged base first): chr20-763908-CA-C. GRCh37 (hg19) VCF-style: chr20-744552-CA-C.
Other names: c.662del, p.Leu221fs (NM_001370085.1, NM_001370086.1); short protein forms L221fs.
Identifiers: ClinVar variation 3383371 (VCV003383371.1).